The following is an entry in ClinVar:

NM_001486.4(GCKR):c.1552C>T (p.Arg518Trp)

Gene: GCKR (glucokinase regulator; plus strand). Cytogenetic location: 2p23.3.
Variant type: single nucleotide variant.
Coding change: c.1552C>T on transcript NM_001486.4 (MANE Select); coding-DNA position 1552, C replaced by T.
Protein change: p.Arg518Trp; replaces arginine 518 with tryptophan.
Molecular consequence: missense variant.
Genome position (GRCh38, 1-based): chr2:27,518,917, C>T. VCF-style: chr2-27518917-C-T. GRCh37 (hg19) VCF-style: chr2-27741784-C-T.
Other names: short protein forms R518W.
Identifiers: ClinVar variation 2734138 (VCV002734138.4), dbSNP rs764304584, ClinGen allele CA1582014.

ClinVar aggregate classification (germline): Uncertain significance (1 of 4 stars; one submission).

Allele frequency attached by ClinVar (database versions not stated): TOPMed 0.00003; ExAC 0.00004; gnomAD exomes 0.00004; gnomAD 0.00005.

Submissions (2):

Labcorp Genetics (formerly Invitae), Labcorp
Classification: Uncertain significance. Last evaluated: 2023-03-14. Review status: criteria provided, single submitter. Criteria: Invitae Variant Classification Sherloc (09022015). Collection method: clinical testing. Allele origin: germline.
Comment: In summary, the available evidence is currently insufficient to determine the role of this variant in disease. Therefore, it has been classified as a Variant of Uncertain Significance. Advanced modeling of protein sequence and biophysical properties (such as structural, functional, and spatial information, amino acid conservation, physicochemical variation, residue mobility, and thermodynamic stability) performed at Invitae indicates that this missense variant is expected to disrupt GCKR protein function. This missense change has been observed in individual(s) with dyslipidemia (PMID: 24891332, 32041611). This variant is present in population databases (rs764304584, gnomAD 0.009%). This sequence change replaces arginine, which is basic and polar, with tryptophan, which is neutral and slightly polar, at codon 518 of the GCKR protein (p.Arg518Trp).

Dr. Peter K. Rogan Lab, Western University
No classification provided (evidence only). Condition: Cholangiocarcinoma. Review status: no classification provided. Collection method: in vitro. Allele origin: not applicable. Functional consequence: skipped exon, retained intron. Not counted in ClinVar's aggregate classification.

Literature cited by the submitters: PubMed 24891332 (cited by Labcorp Genetics (formerly Invitae), Labcorp); PubMed 32041611 (cited by Labcorp Genetics (formerly Invitae), Labcorp).